The following is an entry in ClinVar:

ClinVar aggregate classification (germline): Likely pathogenic (1 of 4 stars; one submission).

Conditions:
Congenital glucose-galactose malabsorption (GGM). Also called: MONOSACCHARIDE MALABSORPTION; DIARRHEA 16. Identifiers: Orphanet 35710, MedGen C0268186, MONDO:0011731, OMIM 606824.

Submission:

Labcorp Genetics (formerly Invitae), Labcorp
Classification: Likely pathogenic for Congenital glucose-galactose malabsorption. Last evaluated: 2024-09-17. Review status: criteria provided, single submitter. Criteria: Invitae Variant Classification Sherloc (09022015). Collection method: clinical testing. Allele origin: germline.
Comment: This sequence change affects a donor splice site in intron 2 of the SLC5A1 gene. It is expected to disrupt RNA splicing. Variants that disrupt the donor or acceptor splice site typically lead to a loss of protein function (PMID: 16199547), and loss-of-function variants in SLC5A1 are known to be pathogenic (PMID: 8563765). This variant is not present in population databases (gnomAD no frequency). This variant has not been reported in the literature in individuals affected with SLC5A1-related conditions. Algorithms developed to predict the effect of sequence changes on RNA splicing suggest that this variant may disrupt the consensus splice site. In summary, the currently available evidence indicates that the variant is pathogenic, but additional data are needed to prove that conclusively. Therefore, this variant has been classified as Likely Pathogenic.

Literature cited by the submitters: PubMed 16199547; PubMed 8563765.

NM_000343.4(SLC5A1):c.207+2T>C

Gene: SLC5A1 (solute carrier family 5 member 1; plus strand). Cytogenetic location: 22q12.3.
Variant type: single nucleotide variant.
Coding change: c.207+2T>C on transcript NM_000343.4 (MANE Select); the canonical splice donor site of the intron after coding-DNA position 207, T replaced by C.
Molecular consequence: splice donor variant.
Genome position (GRCh38, 1-based): chr22:32,050,016, T>C. VCF-style: chr22-32050016-T-C. GRCh37 (hg19) VCF-style: chr22-32446003-T-C.
Identifiers: ClinVar variation 3624451 (VCV003624451.2).